The following is an entry in ClinVar:

NM_031471.6(FERMT3):c.787-14_788del

Gene: FERMT3 (FERM domain containing kindlin 3; plus strand). Cytogenetic location: 11q13.1.
Variant type: Deletion.
Coding change: c.787-14_788del on transcript NM_031471.6 (MANE Select); 14 bases into the intron before coding-DNA position 787 through coding-DNA position 788, 16 bases deleted (TCCCCCCGCTCCAGAC).
Molecular consequence: splice acceptor variant.
Genome position (GRCh38, 1-based): chr11:64,219,237-64,219,252, TCCCCCCGCTCCAGAC deleted; deleting any 16 consecutive bases within chr11:64,219,236-64,219,252 gives the same sequence; the c. name uses the placement nearest the transcript's 3' end. VCF-style (leftmost placement, unchanged base first): chr11-64219235-TCTCCCCCCGCTCCAGA-T. GRCh37 (hg19) VCF-style: chr11-63986707-TCTCCCCCCGCTCCAGA-T.
Other names: c.787-14_788del (NM_001382448.1, NM_178443.3, NM_001382362.1 and 1 more transcripts); c.247-14_248del (NM_001382364.1, NM_001382363.1).
Identifiers: ClinVar variation 3680800 (VCV003680800.2).
Genomic context (GRCh38, chr11:64,219,235, plus strand): 5'-GGGGCTCAGTGCAGGGCGTCCAGGGCAGCTGGCATCTGACCAGCCCAGCCTCCAGCCTCC[TCTCCCCCCGCTCCAGA>T]CAGACCCCGTGCGGCTGACACAGCTGTATGAGCAGGCCCGGTGGGACCTGCTGCTGGAGG-3'

ClinVar aggregate classification (germline): Likely pathogenic (1 of 4 stars; one submission).

Conditions:
Leukocyte adhesion deficiency 3. Also called: Leukocyte adhesion deficiency, type III; INTEGRIN ACTIVATION DEFICIENCY DISEASE; LEUKOCYTE ADHESION DEFICIENCY 1 VARIANT. Identifiers: Orphanet 2968, Orphanet 99844, MedGen C2748536, MONDO:0013016, OMIM 612840.

Submission:

Labcorp Genetics (formerly Invitae), Labcorp
Classification: Likely pathogenic for Leukocyte adhesion deficiency 3. Last evaluated: 2024-08-07. Review status: criteria provided, single submitter. Criteria: Invitae Variant Classification Sherloc (09022015). Collection method: clinical testing. Allele origin: germline.
Comment: This variant results in the deletion of part of exon 7 (c.787-14_788del) of the FERMT3 gene. It is expected to disrupt RNA splicing. Variants that disrupt the donor or acceptor splice site typically lead to a loss of protein function (PMID: 16199547), and loss-of-function variants in FERMT3 are known to be pathogenic (PMID: 19064721, 19234463, 22134107). This variant is not present in population databases (gnomAD no frequency). This variant has not been reported in the literature in individuals affected with FERMT3-related conditions. In summary, the currently available evidence indicates that the variant is pathogenic, but additional data are needed to prove that conclusively. Therefore, this variant has been classified as Likely Pathogenic.

Literature cited by the submitters: PubMed 16199547; PubMed 19064721; PubMed 19234463; PubMed 22134107.